The following is an entry in ClinVar:

ClinVar aggregate classification (germline): Likely pathogenic (0 of 4 stars; one submission).

Conditions:
Keratosis follicularis (DAR). Also called: Darier disease; Darier's disease. Identifiers: Orphanet 218, MedGen C0022595, MONDO:0007417, OMIM 124200.

Submission:

Medical Genetics Unit, Mauro Baschirotto Institute for Rare Disease
Classification: Likely pathogenic for Keratosis follicularis. Last evaluated: 2024-06-07. Review status: no assertion criteria provided. Collection method: provider interpretation. Allele origin: germline. Affected: yes. Observed: 1 variant allele.
Comment: The c.269A>T (p.Glu90Val) variant has not been published as a pathogenic variant, nor has it been reported as a benign variant to our knowledge. As far as we know, this variant has not been reported in the literature or in a large population database, indicating this variant is rare. Missense variants in this gene are a common cause of disease and they are underrepresented in the general population. This sequence change replaces glutamic acid, which is acid and polar, with valine, which is non-polar, at codon 90 of the ATP2A2 protein (p.Glu90Val). This substitution occurs in M2-domain at a position that is conserved across species. In silico analysis supports that this missense variant is deleterious to the protein structure/function. This novel missense variant was predicted as possibly damaging by Polyphen2, deleterious by PROVEAN, damaging by FATHMM, probably damaging by PSEP, and is predicted to affect protein function by SIFT. Therefore, this variant is classified likely pathogenic.

NM_170665.4(ATP2A2):c.269A>T (p.Glu90Val)

Gene: ATP2A2 (ATPase sarcoplasmic/endoplasmic reticulum Ca2+ transporting 2; plus strand). Cytogenetic location: 12q24.11.
Variant type: single nucleotide variant.
Coding change: c.269A>T on transcript NM_170665.4 (MANE Select); coding-DNA position 269, A replaced by T.
Protein change: p.Glu90Val; replaces glutamic acid 90 with valine.
Molecular consequence: missense variant. On other transcripts: 5 prime UTR variant (1), intron variant (1).
Genome position (GRCh38, 1-based): chr12:110,292,069, A>T. VCF-style: chr12-110292069-A-T. GRCh37 (hg19) VCF-style: chr12-110729874-A-T.
Other names: c.269A>T, p.Glu90Val (NM_001413014.1, NM_001681.4); c.-107A>T (NM_001413015.1); c.220-4530A>T (NM_001413013.1); short protein forms E90V.
Identifiers: ClinVar variation 3359255 (VCV003359255.2).